The following is an entry in ClinVar:

NM_003227.4(TFR2):c.414_417delinsGGT (p.Ser138fs)

Gene: TFR2 (transferrin receptor 2; minus strand). Cytogenetic location: 7q22.1.
Variant type: Indel.
Coding change: c.414_417delinsGGT on transcript NM_003227.4 (MANE Select); coding-DNA positions 414 to 417, CGAC replaced by GGT.
Protein change: p.Ser138fs; shifts the reading frame from serine 138.
Molecular consequence: frameshift variant.
Genome position (GRCh38, 1-based): chr7:100,640,742-100,640,745, GTCG replaced by ACC on the plus strand (CGAC replaced by GGT on the coding strand, the reverse complement: TFR2 is on the minus strand). VCF-style: chr7-100640742-GTCG-ACC. GRCh37 (hg19) VCF-style: chr7-100238365-GTCG-ACC.
Other names: short protein forms S138fs.
Identifiers: ClinVar variation 4849310 (VCV004849310.1).

ClinVar aggregate classification (germline): Likely pathogenic (1 of 4 stars; one submission).

Conditions:
Hemochromatosis type 3 (HFE3). Also called: HEMOCHROMATOSIS DUE TO DEFECT IN TRANSFERRIN RECEPTOR 2; Hereditary hemochromatosis type 3; TFR2-Related Hemochromatosis. Identifiers: Orphanet 225123, MedGen C1858664, MONDO:0011417, OMIM 604250.

Submission:

First Genomix Gene Laboratory, Genetic Diagnostics Department
Classification: Likely pathogenic for Hemochromatosis type 3. Last evaluated: 2025-07-18. Review status: criteria provided, single submitter. Criteria: ACMG Guidelines, 2015. Collection method: clinical testing. Allele origin: germline. Inheritance: Autosomal recessive inheritance. Affected: no. Observed: 1 variant allele.